The following is an entry in ClinVar:

ClinVar aggregate classification (germline): Benign/Likely benign. Review status: criteria provided, multiple submitters, no conflicts (2 of 4 stars). 3 submissions from 3 submitters: Benign (1); Likely benign (1). 1 of the submissions does not count toward it. Last evaluated 2025-11-25.

Conditions:
CFAP410-related disorder. Also called: CFAP410-related condition.

Allele frequency attached by ClinVar (database versions not stated): ESP Exome Variant Server 0.00008; gnomAD 0.00017 and 0.00036; 1000 Genomes Project 0.00060; TOPMed 0.00063; 1000 Genomes Project 30x 0.00078; ExAC 0.00097.
gnomAD v4.1: 681 of 1,613,502 alleles (0.042%); highest among the groups gnomAD compares: South Asian, 0.62%; 8 homozygotes.

Submissions (3):

Labcorp Genetics (formerly Invitae), Labcorp
Classification: Benign. Last evaluated: 2025-11-25. Review status: criteria provided, single submitter. Criteria: Invitae Variant Classification Sherloc (09022015). Collection method: clinical testing. Allele origin: germline.

CeGaT Center for Human Genetics Tuebingen
Classification: Likely benign. Last evaluated: 2023-06-01. Review status: criteria provided, single submitter. Criteria: CeGaT Center For Human Genetics Tuebingen Variant Classification Criteria Version 2. Collection method: clinical testing. Allele origin: germline. Affected: yes. Observed: 1 variant allele.
Comment: CFAP410: BP4, BS2

PreventionGenetics, part of Exact Sciences
Classification: Likely benign for CFAP410-related condition. Last evaluated: 2019-08-07. Review status: no assertion criteria provided. Collection method: clinical testing. Allele origin: germline. Not counted in ClinVar's aggregate classification.
Comment: This variant is classified as likely benign based on ACMG/AMP sequence variant interpretation guidelines (Richards et al. 2015 PMID: 25741868, with internal and published modifications).

NM_004928.3(CFAP410):c.460G>A (p.Gly154Ser)

Gene: CFAP410 (cilia and flagella associated protein 410; minus strand). Cytogenetic location: 21q22.3.
Variant type: single nucleotide variant.
Coding change: c.460G>A on transcript NM_004928.3 (MANE Select); coding-DNA position 460, G replaced by A.
Protein change: p.Gly154Ser; replaces glycine 154 with serine.
Molecular consequence: missense variant.
Genome position (GRCh38, 1-based): chr21:44,331,928, C>T on the plus strand (G>A on the coding strand, the complement: CFAP410 is on the minus strand). VCF-style: chr21-44331928-C-T. GRCh37 (hg19) VCF-style: chr21-45751811-C-T.
Other names: c.460G>A, p.Gly154Ser (NM_001271440.2, NM_001271441.2); c.337G>A, p.Gly113Ser (NM_001271442.1); short protein forms G154S, G113S.
Identifiers: ClinVar variation 723473 (VCV000723473.35), dbSNP rs377579876, ClinGen allele CA10053663.